The following is an entry in ClinVar:

NM_006502.3(POLH):c.1181A>G (p.Lys394Arg)

Gene: POLH (DNA polymerase eta; plus strand). Cytogenetic location: 6p21.1.
Variant type: single nucleotide variant.
Coding change: c.1181A>G on transcript NM_006502.3 (MANE Select); coding-DNA position 1181, A replaced by G.
Protein change: p.Lys394Arg; replaces lysine 394 with arginine.
Molecular consequence: missense variant.
Genome position (GRCh38, 1-based): chr6:43,610,660, A>G. VCF-style: chr6-43610660-A-G. GRCh37 (hg19) VCF-style: chr6-43578397-A-G.
Other names: c.809A>G, p.Lys270Arg (NM_001291969.2); c.1181A>G, p.Lys394Arg (NM_001291970.2); short protein forms K270R, K394R.
Identifiers: ClinVar variation 1692920 (VCV001692920.1), dbSNP rs149030396, ClinGen allele CA3827199.

ClinVar aggregate classification (germline): Uncertain significance (1 of 4 stars; one submission).

Conditions:
Xeroderma pigmentosum (XP). Identifiers: Orphanet 910, MedGen C0043346, MONDO:0019600.

Allele frequency attached by ClinVar (database versions not stated): gnomAD exomes 0.00013; ExAC 0.00017; gnomAD 0.00039 and 0.00043; TOPMed 0.00053; 1000 Genomes Project 0.00060; 1000 Genomes Project 30x 0.00062; ESP Exome Variant Server 0.00077.
gnomAD v4.1: 122 of 1,613,462 alleles (0.0076%); highest among the groups gnomAD compares: African/African-American, 0.11%; no homozygotes.

Submission:

Sema4
Classification: Uncertain significance for Xeroderma pigmentosum. Last evaluated: 2021-09-14. Review status: criteria provided, single submitter. Criteria: Sema4 Curation Guidelines. Collection method: curation. Allele origin: germline.
Comment: The POLH c.1181A>G (p.K394R) variant has not been reported in the literature to our knowledge. It was observed in 37/24960 chromosomes of the African/African American subpopulation, with no homozygotes, in the large and broad cohorts of the Genome Aggregation Database (PMID: 32461654). The variant has not been reported in ClinVar. In silico tools suggest the impact of the variant on protein function is benign, though these predictions have not been confirmed by functional studies. There is no indication that this variant causes disease, but the evidence is insufficient currently to prove that conclusively. Thus, the clinical significance of this variant is currently uncertain.